The following is an entry in ClinVar:

NM_001035.3(RYR2):c.9982A>C (p.Lys3328Gln)

Gene: RYR2 (ryanodine receptor 2; plus strand). Cytogenetic location: 1q43.
Variant type: single nucleotide variant.
Coding change: c.9982A>C on transcript NM_001035.3 (MANE Select); coding-DNA position 9982, A replaced by C.
Protein change: p.Lys3328Gln; replaces lysine 3328 with glutamine.
Molecular consequence: missense variant.
Genome position (GRCh38, 1-based): chr1:237,708,938, A>C. VCF-style: chr1-237708938-A-C. GRCh37 (hg19) VCF-style: chr1-237872238-A-C.
Other names: short protein forms K3328Q.
Identifiers: ClinVar variation 3894177 (VCV003894177.1).

ClinVar aggregate classification (germline): Uncertain significance (1 of 4 stars; one submission).

Conditions:
Cardiomyopathy (CMYO). Also called: Cardiomyopathies. Identifiers: Orphanet 167848, MedGen C0878544, MONDO:0004994, HP:0001638. Inheritance: Various modes of inheritance.

Submission:

Color Diagnostics, LLC DBA Color Health
Classification: Uncertain significance for Cardiomyopathy. Last evaluated: 2025-01-19. Review status: criteria provided, single submitter. Criteria: ACMG Guidelines, 2015. Collection method: clinical testing. Allele origin: germline.
Comment: This missense variant replaces lysine with glutamine at codon 3328 of the RYR2 protein. Computational prediction is inconclusive regarding the impact of this variant on protein structure and function (internally defined REVEL score threshold 0.5 < inconclusive < 0.7, PMID: 27666373). To our knowledge, functional studies have not been reported for this variant. This variant has not been reported in individuals affected with RYR2-related disorders in the literature. This variant has not been identified in the general population by the Genome Aggregation Database (gnomAD). The available evidence is insufficient to determine the role of this variant in disease conclusively. Therefore, this variant is classified as a Variant of Uncertain Significance.